The following is an entry in ClinVar:

ClinVar aggregate classification (germline): Uncertain significance. Review status: criteria provided, multiple submitters, no conflicts (2 of 4 stars). 2 submissions from 2 submitters: Uncertain significance (2). Last evaluated 2025-07-14.

Conditions:
Inborn genetic diseases. Identifiers: MedGen C0950123, MeSH D030342.

Allele frequency attached by ClinVar (database versions not stated): gnomAD exomes 0.00001 and 0.00003; ExAC 0.00003; TOPMed 0.00011; ESP Exome Variant Server 0.00016; gnomAD 0.00007 and 0.00008.
gnomAD v4.1: 22 of 1,613,926 alleles (0.0014%); highest among the groups gnomAD compares: African/African-American, 0.027%; no homozygotes.

Submissions (2):

Ambry Genetics
Classification: Uncertain significance for Inborn genetic diseases. Last evaluated: 2025-07-14. Review status: criteria provided, single submitter. Criteria: Ambry Variant Classification Scheme 2023. Collection method: clinical testing. Allele origin: germline.

Labcorp Genetics (formerly Invitae), Labcorp
Classification: Uncertain significance. Last evaluated: 2022-08-31. Review status: criteria provided, single submitter. Criteria: Invitae Variant Classification Sherloc (09022015). Collection method: clinical testing. Allele origin: germline.
Comment: This sequence change replaces threonine, which is neutral and polar, with isoleucine, which is neutral and non-polar, at codon 2474 of the CDH23 protein (p.Thr2474Ile). This variant is present in population databases (rs371693299, gnomAD 0.03%). This variant has not been reported in the literature in individuals affected with CDH23-related conditions. ClinVar contains an entry for this variant (Variation ID: 1363407). Algorithms developed to predict the effect of missense changes on protein structure and function are either unavailable or do not agree on the potential impact of this missense change (SIFT: "Deleterious"; PolyPhen-2: "Not Available"; Align-GVGD: "Class C65"). In summary, the available evidence is currently insufficient to determine the role of this variant in disease. Therefore, it has been classified as a Variant of Uncertain Significance.

NM_022124.6(CDH23):c.7421C>T (p.Thr2474Ile)

Gene: CDH23 (cadherin related 23; plus strand). Cytogenetic location: 10q22.1.
Variant type: single nucleotide variant.
Coding change: c.7421C>T on transcript NM_022124.6 (MANE Select); coding-DNA position 7421, C replaced by T.
Protein change: p.Thr2474Ile; replaces threonine 2474 with isoleucine.
Molecular consequence: missense variant.
Genome position (GRCh38, 1-based): chr10:71,800,694, C>T. VCF-style: chr10-71800694-C-T. GRCh37 (hg19) VCF-style: chr10-73560451-C-T.
Other names: c.701C>T, p.Thr234Ile (NM_001171933.1, NM_001171934.1); c.7421C>T (NM_022124.5); short protein forms T234I, T2474I.
Identifiers: ClinVar variation 1363407 (VCV001363407.4), dbSNP rs371693299, ClinGen allele CA5546343.